The following is an entry in ClinVar:

ClinVar aggregate classification (germline): Conflicting classifications of pathogenicity. Review status: criteria provided, conflicting classifications (1 of 4 stars). 2 submissions from 2 submitters: Likely pathogenic (1); Uncertain significance (1). Last evaluated 2023-11-05.

Conditions:
COG4-congenital disorder of glycosylation. Also called: CONGENITAL DISORDER OF GLYCOSYLATION, TYPE IIj; CDG IIj; COG4-CDG. Identifiers: Orphanet 263501, MedGen C4303552, MONDO:0013281, OMIM 613489.

Submissions (2):

Molecular Genetics, Royal Melbourne Hospital
Classification: Likely pathogenic for COG4-congenital disorder of glycosylation. Last evaluated: 2023-11-05. Review status: criteria provided, single submitter. Criteria: ACMG Guidelines, 2015. Collection method: clinical testing. Allele origin: germline. Inheritance: Autosomal recessive inheritance.
Comment: This sequence change in COG4 is a frameshift variant predicted to cause a premature stop codon, p.(Ile351Asnfs*12), in biologically relevant exon 9/19 leading to nonsense-mediated decay in a gene in which loss-of-function is an established disease mechanism. This variant is present in a single East Asian individual from the population database gnomAD v2.1 (1/18,394 alleles), which is consistent with recessive disease. To our knowledge, this variant has not been previously reported in the relevant scientific literature. Based on the classification scheme RMH Modified ACMG/AMP Guidelines v1.6.1, this variant is classified as LIKELY PATHOGENIC. Following criteria are met: PVS1, PM2_Supporting.

CeGaT Center for Human Genetics Tuebingen
Classification: Uncertain significance. Last evaluated: 2023-06-01. Review status: criteria provided, single submitter. Criteria: CeGaT Center For Human Genetics Tuebingen Variant Classification Criteria Version 2. Collection method: clinical testing. Allele origin: germline. Affected: yes. Observed: 1 variant allele.
Comment: COG4: PVS1:Strong

NM_015386.3(COG4):c.1051dup (p.Ile351fs)

Gene: COG4 (component of oligomeric golgi complex 4; minus strand). Cytogenetic location: 16q22.1.
Variant type: Duplication.
Coding change: c.1051dup on transcript NM_015386.3 (MANE Select); coding-DNA position 1051, one base duplicated (A; older notation c.1051dupA).
Protein change: p.Ile351fs; shifts the reading frame from isoleucine 351.
Molecular consequence: frameshift variant. On other transcripts: non-coding transcript variant (1).
Genome position (GRCh38, 1-based): chr16:70,508,416, T duplicated on the plus strand (A on the coding strand, the reverse complement: COG4 is on the minus strand); the first of 6 consecutive T bases (chr16:70,508,416-70,508,421); duplicating any one gives the same sequence. VCF-style (leftmost placement, unchanged base first): chr16-70508415-A-AT. GRCh37 (hg19) VCF-style: chr16-70542318-A-AT.
Other names: c.1039dup, p.Ile347fs (NM_001195139.2); c.625dup, p.Ile209fs (NM_001365426.1); c.1051dupA (NM_015386.3); short protein forms I209fs, I347fs, I351fs.
Identifiers: ClinVar variation 2646683 (VCV002646683.24), dbSNP rs773477666, ClinGen allele CA8144470.